The following is an entry in ClinVar:

NM_018082.6(POLR3B):c.2143C>A (p.Pro715Thr)

Gene: POLR3B (RNA polymerase III subunit B; plus strand). Cytogenetic location: 12q23.3.
Variant type: single nucleotide variant.
Coding change: c.2143C>A on transcript NM_018082.6 (MANE Select); coding-DNA position 2143, C replaced by A.
Protein change: p.Pro715Thr; replaces proline 715 with threonine.
Molecular consequence: missense variant.
Genome position (GRCh38, 1-based): chr12:106,454,561, C>A. VCF-style: chr12-106454561-C-A. GRCh37 (hg19) VCF-style: chr12-106848339-C-A.
Other names: c.1969C>A, p.Pro657Thr (NM_001160708.2); short protein forms P715T, P657T.
Identifiers: ClinVar variation 2864597 (VCV002864597.3), dbSNP rs2542158078, ClinGen allele CA386387274.

ClinVar aggregate classification (germline): Uncertain significance (1 of 4 stars; one submission).

Submission:

Labcorp Genetics (formerly Invitae), Labcorp
Classification: Uncertain significance. Last evaluated: 2023-05-15. Review status: criteria provided, single submitter. Criteria: Invitae Variant Classification Sherloc (09022015). Collection method: clinical testing. Allele origin: germline.
Comment: This variant is not present in population databases (gnomAD no frequency). This sequence change replaces proline, which is neutral and non-polar, with threonine, which is neutral and polar, at codon 715 of the POLR3B protein (p.Pro715Thr). This variant has not been reported in the literature in individuals affected with POLR3B-related conditions. Advanced modeling of protein sequence and biophysical properties (such as structural, functional, and spatial information, amino acid conservation, physicochemical variation, residue mobility, and thermodynamic stability) performed at Invitae indicates that this missense variant is not expected to disrupt POLR3B protein function. In summary, the available evidence is currently insufficient to determine the role of this variant in disease. Therefore, it has been classified as a Variant of Uncertain Significance.